The following is an entry in ClinVar:

ClinVar aggregate classification (germline): Pathogenic/Likely pathogenic. Review status: criteria provided, multiple submitters, no conflicts (2 of 4 stars). 19 submissions from 18 submitters: Pathogenic (1); Likely pathogenic (17). 1 of the submissions does not count toward it. Last evaluated 2026-09-15.

Conditions:
MUTYH-related disorder. Also called: MUTYH-related disorders; MUTYH-related condition.
Familial adenomatous polyposis 2. Also called: COLORECTAL ADENOMATOUS POLYPOSIS, AUTOSOMAL RECESSIVE; ADENOMAS, MULTIPLE COLORECTAL, AUTOSOMAL RECESSIVE; MUTYH Polyposis; MYH-associated polyposis; FAP type 2; Adenomas, multiple colorectal. Identifiers: Orphanet 220460, Orphanet 247798, MedGen C3272841, MONDO:0012041, OMIM 608456.
Gastric cancer. Also called: Malignant tumor of stomach; Stomach cancer. Identifiers: MedGen C0024623, MeSH D013274, MONDO:0001056, OMIM 613659, HP:0012126.
Hereditary cancer-predisposing syndrome. Also called: Neoplastic Syndromes, Hereditary; Tumor predisposition; Hereditary Cancer Syndrome; Hereditary neoplastic syndrome. Identifiers: Orphanet 140162, MedGen C0027672, MeSH D009386, MONDO:0015356.
Pilomatrixoma (PTR). Also called: PILOMATRICOMA; EPITHELIOMA CALCIFICANS OF MALHERBE; Pilomatricoma, somatic. Identifiers: Orphanet 91414, MedGen C0206711, MeSH D018296, MONDO:0007564, OMIM 132600, HP:0030434.

Allele frequency attached by ClinVar (database versions not stated): TOPMed 0.00009.
gnomAD v4.1: 30 of 1,614,004 alleles (0.0019%); highest among the groups gnomAD compares: Admixed American, 0.033%; no homozygotes.

Submissions 1 to 5 of 19:

PreventionGenetics, part of Exact Sciences
Classification: Likely pathogenic for MUTYH-related condition. Last evaluated: 2026-09-15. Review status: criteria provided, single submitter. Criteria: ACMG Guidelines, 2015. Collection method: clinical testing. Allele origin: germline.
Comment: The MUTYH c.736G>T variant is predicted to result in the amino acid substitution p.Val246Phe. This variant is referred to as c.694G>T p.Val232Phe in the alternate transcript NM_001048171. This variant has been identified in the compound heterozygous state in individuals with familial adenomatous polyposis and/or multiple colorectal adenomas (Sieber et al. 2003. PubMed ID: 12606733), in individuals affected with breast cancer (Kurian et al. 2014. PubMed ID: 24733792), in an individual with a gastrointestinal neuroendocrine tumor (Table S5, Schrader et al. 2016. PubMed ID: 26556299), and in an individual with head neck squamous cell carcinoma (Supplementary Table 3, Cury et al. 2021. PubMed ID: 34598035). In vitro functional studies showed that this variant resulted in defective glycosylation and DNA binding activity (Bai. 2005. PubMed ID: 15673720) and is located in a region critical to enzyme function (Trasviña-Arenas et al. 2025. PubMed ID: 40234396). However, another study showed only a slight defect that retained glycosylation function in an E. coli complementation assay; possibly owing to different E. coli backgrounds (Komine et al. 2015. PubMed ID: 25820570). This variant is reported in 0.038% of alleles in individuals of Latino descent in gnomAD and is classified as likely pathogenic in ClinVar (Variation ID: 135990). This variant is interpreted as likely pathogenic.

Labcorp Genetics (formerly Invitae), Labcorp
Classification: Likely pathogenic for Familial adenomatous polyposis 2. Last evaluated: 2026-01-31. Review status: criteria provided, single submitter. Criteria: Invitae Variant Classification Sherloc (09022015). Collection method: clinical testing. Allele origin: germline.
Comment: This sequence change replaces valine, which is neutral and non-polar, with phenylalanine, which is neutral and non-polar, at codon 246 of the MUTYH protein (p.Val246Phe). This variant is present in population databases (rs587780749, gnomAD 0.04%). This missense change has been observed in individual(s) with MUTYH-associated polyposis (PMID: 12606733, 19793053, 20687945). In at least one individual the data is consistent with being in trans (on the opposite chromosome) from a pathogenic variant. This variant is also known as c.694G>T, p.Val232Phe. ClinVar contains an entry for this variant (Variation ID: 135990). An algorithm developed to predict the effect of missense changes on protein structure and function (PolyPhen-2) suggests that this variant is likely to be tolerated. Experimental studies have shown that this missense change affects MUTYH function (PMID: 15673720, 18534194). In summary, the currently available evidence indicates that the variant is pathogenic, but additional data are needed to prove that conclusively. Therefore, this variant has been classified as Likely Pathogenic.

Ambry Genetics
Classification: Pathogenic for Hereditary cancer-predisposing syndrome. Last evaluated: 2025-12-10. Review status: criteria provided, single submitter. Criteria: Ambry Variant Classification Scheme 2023. Collection method: clinical testing. Allele origin: germline.
Comment: The p.V246F pathogenic mutation (also known as c.736G>T), located in coding exon 9 of the MUTYH gene, results from a G to T substitution at nucleotide position 736. The valine at codon 246 is replaced by phenylalanine, an amino acid with highly similar properties. This alteration has been detected in multiple individuals with adenomatous polyposis who also carried another MUTYH mutation, including one individual with both polyposis and colorectal cancer (Sieber OM et al. N. Engl. J. Med. 2003 Feb;348(9):791-9; Filipe B et al. Clin. Genet. 2009 Sep:76(3):242&ndash;55; G&oacute;mez-Fern&aacute;ndez N et al. BMC Med. Genet., 2009 Jun;10:57; L&oacute;pez-Villar I et al. BMC Cancer. 2010 Aug;10:408). In a massively parallel cell-based functional assay testing 7,8-dihydro-8-oxoguanine:adenine (8OG:A) repair activity, a byproduct of oxidative damage, this variant was reported to have intermediate function (Hemker SL et al. Am J Hum Genet. 2025 Sep;112(9):2010-2026). Of note, this alteration is also designated as p.V232F in the published literature. This amino acid position is not well conserved in available vertebrate species. In addition, this alteration is predicted to be deleterious by in silico analysis. Based on the supporting evidence, this variant is interpreted as a disease-causing mutation.

Color Diagnostics, LLC DBA Color Health
Classification: Likely pathogenic for Hereditary cancer-predisposing syndrome. Last evaluated: 2025-05-27. Review status: criteria provided, single submitter. Criteria: ACMG Guidelines, 2015. Collection method: clinical testing. Allele origin: germline.
Comment: This missense variant replaces valine with phenylalanine at codon 246 of the MUTYH protein. This variant is also known as c.694G>T (p.Val232Phe) based on an alternative transcript (NM_001048171). Computational prediction is inconclusive regarding the impact of this variant on protein structure and function. Functional studies reported this variant protein exhibited partially defective glycosylase and DNA binding activity (PMID: 15673720) but showed conflicting results in E. coli complementation assays, from defective to wild-type activity (PMID: 15673720, 25820570). This variant has been reported in individuals affected with multiple adenomas or polyposis (PMID: 12606733, 19793053, 20687945). At least one of these individuals carried a second pathogenic MUTYH variant in the compound heterozygous state (PMID: 12606733) while another individual carried a MUTYH variant of uncertain significance in trans (PMID: 20687945). This variant has also been reported in individuals affected with colorectal cancer, including one individual who carried this variant in the homozygous state (PMID: 19531215ClinVar SCV000186631.8). In addition, this variant has been observed in individuals affected with gastrointestinal/neuroendocrine tumors (PMID: 26556299), bilateral breast cancer (PMID: 24733792), unilateral breast cancer (PMID: 33471991, 35264596), and head neck squamous cell carcinoma (PMID: 34598035). This variant has been identified in 14/250286 chromosomes in the general population by the Genome Aggregation Database (gnomAD). Based on the available evidence, this variant is classified as Likely Pathogenic.

Women's Health and Genetics/Laboratory Corporation of America, LabCorp
Classification: Likely pathogenic for Familial adenomatous polyposis 2. Last evaluated: 2025-04-07. Review status: criteria provided, single submitter. Criteria: LabCorp Variant Classification Summary - May 2015. Collection method: clinical testing. Allele origin: germline.
Comment: Variant summary: MUTYH c.736G>T (p.Val246Phe) results in a non-conservative amino acid change located in the HhH-GPD domain (IPR003265) of the encoded protein sequence. Three of five in-silico tools predict a damaging effect of the variant on protein function. The variant allele was found at a frequency of 5.6e-05 in 250286 control chromosomes. This frequency is not significantly higher than estimated for a pathogenic variant in MUTYH causing MUTYH-Associated Polyposis (5.6e-05 vs 0.0046), allowing no conclusion about variant significance. c.736G>T has been reported in the literature as p.Val232Phe or p.Val246Phe in a biallelic genotype in at-least three individuals affected with features of MUTYH-associated polyposis (example, Sieber_2003, Lopez-Villar_2010, Filpe_2009) and has also been reported as a presumed heterozygous monoallelic occurrence in settings of multigene panel testing (example, Kurian_2014, Guindalini_2022, Pereira_2022). These data indicate that the variant may be associated with disease. At least one publication reports experimental evidence evaluating an impact on protein function. The most pronounced variant effect results in 11% of normal DNA glycosylase activity (Bai_2005) while another study characterized this as "functionally retained" attributing the discrepancy to different E. coli backgrounds in the experimental system utilized (Komine_2015). The following publications have been ascertained in the context of this evaluation (PMID: 18534194, 15673720, 26377631, 19793053, 35264596, 25820570, 24733792, 20687945, 35980532, 12606733). ClinVar contains an entry for this variant (Variation ID: 135990). Based on the evidence outlined above, the variant was classified as likely pathogenic.

NM_001048174.2(MUTYH):c.652G>T (p.Val218Phe)

Gene: MUTYH (mutY DNA glycosylase; minus strand). Cytogenetic location: 1p34.1.
Variant type: single nucleotide variant.
Coding change: c.652G>T on transcript NM_001048174.2 (MANE Select); coding-DNA position 652, G replaced by T.
Protein change: p.Val218Phe; replaces valine 218 with phenylalanine.
Molecular consequence: missense variant. On other transcripts: non-coding transcript variant (2).
Genome position (GRCh38, 1-based): chr1:45,332,443, C>A on the plus strand (G>T on the coding strand, the complement: MUTYH is on the minus strand). VCF-style: chr1-45332443-C-A. GRCh37 (hg19) VCF-style: chr1-45798115-C-A.
Other names: p.V246F:GTC>TTC; c.652G>T, p.Val218Phe (NM_001048171.2, NM_001048173.2, NM_001293195.2); c.655G>T, p.Val219Phe (NM_001048172.2); c.736G>T, p.Val246Phe (NM_001128425.2); c.697G>T, p.Val233Phe (NM_001293190.2); c.685G>T, p.Val229Phe (NM_001293191.2); c.376G>T, p.Val126Phe (NM_001293192.2, NM_001293196.2); c.307G>T, p.Val103Phe (NM_001350650.2, NM_001350651.2); and 1 more; short protein forms V246F, V232F, V218F, V103F, V126F, V219F, V243F, V229F.
Identifiers: ClinVar variation 135990 (VCV000135990.50), dbSNP rs587780749, ClinGen allele CA014236.